The following is an entry in ClinVar:

NM_002468.5(MYD88):c.579G>A (p.Val193=)

Gene: MYD88 (MYD88 innate immune signal transduction adaptor; plus strand). Cytogenetic location: 3p22.2.
Variant type: single nucleotide variant.
Coding change: c.579G>A on transcript NM_002468.5 (MANE Select); coding-DNA position 579, G replaced by A.
Protein change: p.Val193=; no amino-acid change (valine 193 retained).
Molecular consequence: synonymous variant. On other transcripts: intron variant (2).
Genome position (GRCh38, 1-based): chr3:38,140,503, G>A. VCF-style: chr3-38140503-G-A. GRCh37 (hg19) VCF-style: chr3-38181994-G-A.
Other names: c.579G>A, p.Val193= (NM_001172567.2, NM_001365876.1); c.444G>A, p.Val148= (NM_001172568.2, NM_001365877.1); c.464-254G>A (NM_001172569.3); c.329-254G>A (NM_001172566.2).
Identifiers: ClinVar variation 537303 (VCV000537303.10), dbSNP rs144836346, ClinGen allele CA2316161.

ClinVar aggregate classification (germline): Benign/Likely benign. Review status: criteria provided, multiple submitters, no conflicts (2 of 4 stars). 3 submissions from 3 submitters: Benign (1); Likely benign (2). Last evaluated 2025-11-08.

Conditions:
Pyogenic bacterial infections due to MyD88 deficiency (IMD68). Also called: PYOGENIC BACTERIAL INFECTIONS, RECURRENT, DUE TO MYD88 DEFICIENCY. Identifiers: Orphanet 183713, MedGen C2677092, MONDO:0012839, OMIM 612260.
MYD88-related disorder. Also called: MYD88-related condition.

Allele frequency attached by ClinVar (database versions not stated): gnomAD 0.00009 and 0.00017; TOPMed 0.00020; gnomAD exomes 0.00031 and 0.00046; 1000 Genomes Project 0.00040; 1000 Genomes Project 30x 0.00047; ExAC 0.00048.

Submissions (3):

Labcorp Genetics (formerly Invitae), Labcorp
Classification: Benign for Pyogenic bacterial infections due to MyD88 deficiency. Last evaluated: 2025-11-08. Review status: criteria provided, single submitter. Criteria: Invitae Variant Classification Sherloc (09022015). Collection method: clinical testing. Allele origin: germline.

Blueprint Genetics
Classification: Likely benign. Last evaluated: 2024-11-06. Review status: criteria provided, single submitter. Criteria: ACMG Guidelines, 2015. Collection method: clinical testing. Allele origin: germline.

PreventionGenetics, part of Exact Sciences
Classification: Likely benign for MYD88-related condition. Last evaluated: 2024-10-25. Review status: criteria provided, single submitter. Criteria: ACMG Guidelines, 2015. Collection method: clinical testing. Allele origin: germline.
Comment: This variant is classified as likely benign based on ACMG/AMP sequence variant interpretation guidelines (Richards et al. 2015 PMID: 25741868, with internal and published modifications).